The following is an entry in ClinVar:

NM_017534.6(MYH2):c.2057C>A (p.Thr686Asn)

Genes: MYH2 (myosin heavy chain 2; minus strand), MYHAS (myosin heavy chain gene cluster antisense RNA; plus strand). Cytogenetic location: 17p13.1.
Variant type: single nucleotide variant.
Coding change: c.2057C>A on transcript NM_017534.6 (MANE Select); coding-DNA position 2057, C replaced by A.
Protein change: p.Thr686Asn; replaces threonine 686 with asparagine.
Molecular consequence: missense variant.
Genome position (GRCh38, 1-based): chr17:10,535,283, G>T on the plus strand (C>A on the coding strand, the complement: MYH2 is on the minus strand). VCF-style: chr17-10535283-G-T. GRCh37 (hg19) VCF-style: chr17-10438600-G-T.
Other names: c.2057C>A, p.Thr686Asn (NM_001100112.2); short protein forms T686N.
Identifiers: ClinVar variation 659425 (VCV000659425.3), dbSNP rs767880435, ClinGen allele CA8391229.

ClinVar aggregate classification (germline): Uncertain significance (1 of 4 stars; one submission).

Conditions:
Myopathy, proximal, and ophthalmoplegia (CMYO6). Also called: MYOPATHY WITH CONGENITAL JOINT CONTRACTURES, OPHTHALMOPLEGIA, AND RIMMED VACUOLES; INCLUSION BODY MYOPATHY 3, AUTOSOMAL DOMINANT; CONGENITAL MYOPATHY 6 WITH OPHTHALMOPLEGIA. Identifiers: Orphanet 363677, Orphanet 79091, MedGen C1854106, MONDO:0011577, OMIM 605637.

Allele frequency attached by ClinVar (database versions not stated): ExAC 0.00001; gnomAD 0.00001; gnomAD exomes 0.00001; TOPMed 0.00002.
gnomAD v4.1: 6 of 1,614,010 alleles (0.00037%); highest among the groups gnomAD compares: African/African-American, 0.0013%; no homozygotes.

Submission:

Labcorp Genetics (formerly Invitae), Labcorp
Classification: Uncertain significance for Myopathy, proximal, and ophthalmoplegia. Last evaluated: 2021-09-01. Review status: criteria provided, single submitter. Criteria: Invitae Variant Classification Sherloc (09022015). Collection method: clinical testing. Allele origin: germline.
Comment: This sequence change replaces threonine with asparagine at codon 686 of the MYH2 protein (p.Thr686Asn). The threonine residue is highly conserved and there is a small physicochemical difference between threonine and asparagine. This variant is present in population databases (rs767880435, ExAC 0.002%). This variant has not been reported in the literature in individuals affected with MYH2-related conditions. Algorithms developed to predict the effect of missense changes on protein structure and function are either unavailable or do not agree on the potential impact of this missense change (SIFT: "Deleterious"; PolyPhen-2: "Benign"; Align-GVGD: "Class C55"). In summary, the available evidence is currently insufficient to determine the role of this variant in disease. Therefore, it has been classified as a Variant of Uncertain Significance.